The following is an entry in ClinVar:

NM_001128840.3(CACNA1D):c.1255C>T (p.Arg419Trp)

Gene: CACNA1D (calcium voltage-gated channel subunit alpha1 D; plus strand). Cytogenetic location: 3p21.1.
Variant type: single nucleotide variant.
Coding change: c.1255C>T on transcript NM_001128840.3 (MANE Select); coding-DNA position 1255, C replaced by T.
Protein change: p.Arg419Trp; replaces arginine 419 with tryptophan.
Molecular consequence: missense variant.
Genome position (GRCh38, 1-based): chr3:53,702,675, C>T. VCF-style: chr3-53702675-C-T. GRCh37 (hg19) VCF-style: chr3-53736702-C-T.
Other names: c.1255C>T, p.Arg419Trp (NM_000720.4, NM_001128839.3); short protein forms R419W.
Identifiers: ClinVar variation 1931353 (VCV001931353.4), dbSNP rs371212198, ClinGen allele CA2453884.

ClinVar aggregate classification (germline): Uncertain significance (1 of 4 stars; one submission).

Allele frequency attached by ClinVar (database versions not stated): ExAC 0.00001; gnomAD 0.00001; gnomAD exomes 0.00001; TOPMed 0.00001; ESP Exome Variant Server 0.00008.

Submission:

Labcorp Genetics (formerly Invitae), Labcorp
Classification: Uncertain significance. Last evaluated: 2024-10-16. Review status: criteria provided, single submitter. Criteria: Invitae Variant Classification Sherloc (09022015). Collection method: clinical testing. Allele origin: germline.
Comment: This sequence change replaces arginine, which is basic and polar, with tryptophan, which is neutral and slightly polar, at codon 419 of the CACNA1D protein (p.Arg419Trp). This variant is present in population databases (rs371212198, gnomAD 0.003%). This variant has not been reported in the literature in individuals affected with CACNA1D-related conditions. ClinVar contains an entry for this variant (Variation ID: 1931353). Invitae Evidence Modeling of protein sequence and biophysical properties (such as structural, functional, and spatial information, amino acid conservation, physicochemical variation, residue mobility, and thermodynamic stability) indicates that this missense variant is not expected to disrupt CACNA1D protein function with a negative predictive value of 80%. In summary, the available evidence is currently insufficient to determine the role of this variant in disease. Therefore, it has been classified as a Variant of Uncertain Significance.